The following is an entry in ClinVar:

ClinVar aggregate classification (germline): Uncertain significance (1 of 4 stars; one submission).

Conditions:
Cardiomyopathy (CMYO). Also called: Cardiomyopathies. Identifiers: Orphanet 167848, MedGen C0878544, MONDO:0004994, HP:0001638. Inheritance: Various modes of inheritance.

Submission:

Color Diagnostics, LLC DBA Color Health
Classification: Uncertain significance for Cardiomyopathy. Last evaluated: 2022-06-29. Review status: criteria provided, single submitter. Criteria: ACMG Guidelines, 2015. Collection method: clinical testing. Allele origin: germline.
Comment: This variant causes a deletion of six nucleotides in intron 58 of the RYR2 gene. To our knowledge, functional studies have not been reported for this variant. This variant has not been reported in individuals affected with cardiovascular disorders in the literature. This variant has not been identified in the general population by the Genome Aggregation Database (gnomAD). The available evidence is insufficient to determine the role of this variant in disease conclusively. Therefore, this variant is classified as a Variant of Uncertain Significance.

NM_001035.3(RYR2):c.8591-7_8591-2del

Gene: RYR2 (ryanodine receptor 2; plus strand). Cytogenetic location: 1q43.
Variant type: Deletion.
Coding change: c.8591-7_8591-2del on transcript NM_001035.3 (MANE Select); 7 bases into the intron before coding-DNA position 8591 through the canonical splice acceptor site of the intron before coding-DNA position 8591, 6 bases deleted (CTCTTA; older notation c.8591-7_8591-2delCTCTTA).
Molecular consequence: splice acceptor variant.
Genome position (GRCh38, 1-based): chr1:237,674,089-237,674,094, CTCTTA deleted; deleting any 6 consecutive bases within chr1:237,674,087-237,674,094 gives the same sequence; the c. name uses the placement nearest the transcript's 3' end. VCF-style (leftmost placement, unchanged base first): chr1-237674086-ATACTCT-A. GRCh37 (hg19) VCF-style: chr1-237837386-ATACTCT-A.
Identifiers: ClinVar variation 2774352 (VCV002774352.2), dbSNP rs2547212602, ClinGen allele CA2697547740.